The following is an entry in ClinVar:

NM_006015.6(ARID1A):c.1834G>C (p.Ala612Pro)

Gene: ARID1A (AT-rich interaction domain 1A; plus strand). Cytogenetic location: 1p36.11.
Variant type: single nucleotide variant.
Coding change: c.1834G>C on transcript NM_006015.6 (MANE Select); coding-DNA position 1834, G replaced by C.
Protein change: p.Ala612Pro; replaces alanine 612 with proline.
Molecular consequence: missense variant.
Genome position (GRCh38, 1-based): chr1:26,732,706, G>C. VCF-style: chr1-26732706-G-C. GRCh37 (hg19) VCF-style: chr1-27059197-G-C.
Other names: c.1834G>C, p.Ala612Pro (NM_139135.4); short protein forms A612P.
Identifiers: ClinVar variation 3901069 (VCV003901069.1).
Genomic context (GRCh38, chr1:26,732,706, plus strand): 5'-CCATCACAGCTTTTGTTTTTCTTGTTGTAGGAGCTATCTCAAGATTCATTTGGGTCTCAG[G>C]CATCCTCAGCCCCCTCAATGACCTCCAGTAAGGGAGGGCAAGAAGATATGAACCTGAGCC-3'
Protein context (NP_006006.3, residues 602-622): ELSQDSFGSQ[Ala612Pro]SSAPSMTSSK

ClinVar aggregate classification (germline): Uncertain significance (1 of 4 stars; one submission).

Conditions:
Intellectual disability, autosomal dominant 14 (CSS2). Also called: COFFIN-SIRIS SYNDROME 2. Identifiers: Orphanet 1465, MedGen C3553247, MONDO:0013819, OMIM 614607.

Submission:

Laboratorio de Genetica e Diagnostico Molecular, Hospital Israelita Albert Einstein
Classification: Uncertain significance for Intellectual disability, autosomal dominant 14. Last evaluated: 2023-11-01. Review status: criteria provided, single submitter. Criteria: ACMG Guidelines, 2015. Collection method: clinical testing. Allele origin: germline. Affected: yes.
Comment: ACMG classification criteria: PM2 moderate, PP2 supporting, BP4 supporting